The following is an entry in ClinVar:

NM_004048.4(B2M):c.202A>G (p.Lys68Glu)

Gene: B2M (beta-2-microglobulin; plus strand). Cytogenetic location: 15q21.1.
Variant type: single nucleotide variant.
Coding change: c.202A>G on transcript NM_004048.4 (MANE Select); coding-DNA position 202, A replaced by G.
Protein change: p.Lys68Glu; replaces lysine 68 with glutamic acid.
Molecular consequence: missense variant.
Genome position (GRCh38, 1-based): chr15:44,715,557, A>G. VCF-style: chr15-44715557-A-G. GRCh37 (hg19) VCF-style: chr15-45007755-A-G.
Other names: short protein forms K68E.
Identifiers: ClinVar variation 3815109 (VCV003815109.2).
Genomic context (GRCh38, chr15:44,715,557, plus strand): 5'-TCTGGGTTTCATCCATCCGACATTGAAGTTGACTTACTGAAGAATGGAGAGAGAATTGAA[A>G]AAGTGGAGCATTCAGACTTGTCTTTCAGCAAGGACTGGTCTTTCTATCTCTTGTACTACA-3'
Protein context (NP_004039.1, residues 58-78): DLLKNGERIE[Lys68Glu]VEHSDLSFSK

ClinVar aggregate classification (germline): Uncertain significance. Review status: criteria provided, multiple submitters, no conflicts (2 of 4 stars). 2 submissions from 2 submitters: Uncertain significance (2). Last evaluated 2025-12-21.

Conditions:
Inborn genetic diseases. Identifiers: MedGen C0950123, MeSH D030342.
Hypoproteinemia, hypercatabolic (IMD43). Also called: BETA-2-MICROGLOBULIN DEFICIENCY; B2M DEFICIENCY; IMMUNODEFICIENCY 43; MHC CLASS I DEFICIENCY 4. Identifiers: MedGen C1855796, MONDO:0009434, OMIM 241600.

gnomAD v4.1: 6 of 1,614,088 alleles (0.00037%); highest among the groups gnomAD compares: African/African-American, 0.004%; no homozygotes.

Submissions (2):

Labcorp Genetics (formerly Invitae), Labcorp
Classification: Uncertain significance for Hypoproteinemia, hypercatabolic. Last evaluated: 2025-12-21. Review status: criteria provided, single submitter. Criteria: Invitae Variant Classification Sherloc (09022015). Collection method: clinical testing. Allele origin: germline.
Comment: This sequence change replaces lysine, which is basic and polar, with glutamic acid, which is acidic and polar, at codon 68 of the B2M protein (p.Lys68Glu). This variant is present in population databases (rs767825635, gnomAD 0.003%). This variant has not been reported in the literature in individuals affected with B2M-related conditions. ClinVar contains an entry for this variant (Variation ID: 3815109). An algorithm developed to predict the effect of missense changes on protein structure and function outputs the following: PolyPhen-2: "Benign". The glutamic acid amino acid residue is found in multiple mammalian species, which suggests that this missense change does not adversely affect protein function. In summary, the available evidence is currently insufficient to determine the role of this variant in disease. Therefore, it has been classified as a Variant of Uncertain Significance.

Ambry Genetics
Classification: Uncertain significance for Inborn genetic diseases. Last evaluated: 2025-01-09. Review status: criteria provided, single submitter. Criteria: Ambry Variant Classification Scheme 2023. Collection method: clinical testing. Allele origin: germline.